The following is an entry in ClinVar:

NM_006907.4(PYCR1):c.922C>G (p.Leu308Val)

Gene: PYCR1 (pyrroline-5-carboxylate reductase 1; minus strand). Cytogenetic location: 17q25.3.
Variant type: single nucleotide variant.
Coding change: c.922C>G on transcript NM_006907.4 (MANE Select); coding-DNA position 922, C replaced by G.
Protein change: p.Leu308Val; replaces leucine 308 with valine.
Molecular consequence: missense variant. On other transcripts: 3 prime UTR variant (1), intron variant (1).
Genome position (GRCh38, 1-based): chr17:81,933,252, G>C on the plus strand (C>G on the coding strand, the complement: PYCR1 is on the minus strand). VCF-style: chr17-81933252-G-C. GRCh37 (hg19) VCF-style: chr17-79891128-G-C.
Other names: c.829C>G, p.Leu277Val (NM_001282279.2); c.922C>G, p.Leu308Val (NM_001282280.2); c.1003C>G, p.Leu335Val (NM_001282281.2); c.*104C>G (NM_001330523.2); c.867+55C>G (NM_153824.3); short protein forms L277V, L308V, L335V.
Identifiers: ClinVar variation 2068585 (VCV002068585.1), dbSNP rs556118853, ClinGen allele CA295134382.

ClinVar aggregate classification (germline): Uncertain significance (1 of 4 stars; one submission).

Allele frequency attached by ClinVar (database versions not stated): gnomAD 0.00001; 1000 Genomes Project 30x 0.00016; 1000 Genomes Project 0.00020.
gnomAD v4.1: 1 of 1,614,080 alleles (0.000062%); highest among the groups gnomAD compares: African/African-American, 0.0013%; no homozygotes.

Submission:

Labcorp Genetics (formerly Invitae), Labcorp
Classification: Uncertain significance. Last evaluated: 2022-01-01. Review status: criteria provided, single submitter. Criteria: Invitae Variant Classification Sherloc (09022015). Collection method: clinical testing. Allele origin: germline.
Comment: This sequence change replaces leucine, which is neutral and non-polar, with valine, which is neutral and non-polar, at codon 308 of the PYCR1 protein (p.Leu308Val). This variant is not present in population databases (gnomAD no frequency). This variant has not been reported in the literature in individuals affected with PYCR1-related conditions. Algorithms developed to predict the effect of missense changes on protein structure and function (SIFT, PolyPhen-2, Align-GVGD) all suggest that this variant is likely to be tolerated. Algorithms developed to predict the effect of sequence changes on RNA splicing suggest that this variant may create or strengthen a splice site. In summary, the available evidence is currently insufficient to determine the role of this variant in disease. Therefore, it has been classified as a Variant of Uncertain Significance.